The following is an entry in ClinVar:

ClinVar aggregate classification (germline): Pathogenic (1 of 4 stars; one submission).

Submission:

Labcorp Genetics (formerly Invitae), Labcorp
Classification: Pathogenic. Last evaluated: 2022-06-22. Review status: criteria provided, single submitter. Criteria: Invitae Variant Classification Sherloc (09022015). Collection method: clinical testing. Allele origin: germline.
Comment: This variant is not present in population databases (gnomAD no frequency). For these reasons, this variant has been classified as Pathogenic. This variant has not been reported in the literature in individuals affected with SCP2-related conditions. This sequence change creates a premature translational stop signal (p.Arg105Profs*18) in the SCP2 gene. It is expected to result in an absent or disrupted protein product. Loss-of-function variants in SCP2 are known to be pathogenic (PMID: 16685654, 26497993).

Literature cited by the submitters: PubMed 16685654; PubMed 26497993.

NM_002979.5(SCP2):c.313dup (p.Arg105fs)

Gene: SCP2 (sterol carrier protein 2; plus strand). Cytogenetic location: 1p32.3.
Variant type: Duplication.
Coding change: c.313dup on transcript NM_002979.5 (MANE Select); coding-DNA position 313, one base duplicated (C; older notation c.313dupC).
Protein change: p.Arg105fs; shifts the reading frame from arginine 105.
Molecular consequence: frameshift variant. On other transcripts: intron variant (2).
Genome position (GRCh38, 1-based): chr1:52,950,868, C duplicated; the last of 3 consecutive C bases (chr1:52,950,866-52,950,868); duplicating any one gives the same sequence. VCF-style (leftmost placement, unchanged base first): chr1-52950865-G-GC. GRCh37 (hg19) VCF-style: chr1-53416537-G-GC.
Other names: c.241dup, p.Arg81fs (NM_001193599.2); c.70dup, p.Arg24fs (NM_001193617.2); c.313dup, p.Arg105fs (NM_001330587.2); c.199+2788dup (NM_001193600.2, NM_001007098.3); short protein forms R81fs, R105fs, R24fs.
Identifiers: ClinVar variation 2007648 (VCV002007648.4), dbSNP rs2524499368, ClinGen allele CA2580063023.